The following is an entry in ClinVar:

NM_005263.5(GFI1):c.325C>G (p.Leu109Val)

Gene: GFI1 (growth factor independent 1 transcriptional repressor; minus strand). Cytogenetic location: 1p22.1.
Variant type: single nucleotide variant.
Coding change: c.325C>G on transcript NM_005263.5 (MANE Select); coding-DNA position 325, C replaced by G.
Protein change: p.Leu109Val; replaces leucine 109 with valine.
Molecular consequence: missense variant.
Genome position (GRCh38, 1-based): chr1:92,481,062, G>C on the plus strand (C>G on the coding strand, the complement: GFI1 is on the minus strand). VCF-style: chr1-92481062-G-C. GRCh37 (hg19) VCF-style: chr1-92946619-G-C.
Other names: c.325C>G, p.Leu109Val (NM_001127215.3, NM_001127216.3); short protein forms L109V.
Identifiers: ClinVar variation 3853691 (VCV003853691.1).

ClinVar aggregate classification (germline): Uncertain significance (1 of 4 stars; one submission).

Submission:

Ambry Genetics
Classification: Uncertain significance. Last evaluated: 2025-01-23. Review status: criteria provided, single submitter. Criteria: Ambry Variant Classification Scheme 2023. Collection method: clinical testing. Allele origin: germline.
Comment: The p.L109V variant (also known as c.325C>G), located in coding exon 3 of the GFI1 gene, results from a C to G substitution at nucleotide position 325. The leucine at codon 109 is replaced by valine, an amino acid with highly similar properties. This amino acid position is conserved. In addition, this alteration is predicted to be tolerated by in silico analysis. Based on the available evidence, the clinical significance of this variant remains unclear.